The following is an entry in ClinVar:

ClinVar aggregate classification (germline): Uncertain significance (1 of 4 stars; one submission).

Submission:

GeneDx
Classification: Uncertain significance. Last evaluated: 2019-11-08. Review status: criteria provided, single submitter. Criteria: GeneDx Variant Classification Process June 2021. Collection method: clinical testing. Allele origin: germline. Affected: yes.
Comment: Not observed in large population cohorts (Lek et al., 2016); Missense variant in a gene in which most reported pathogenic variants are truncating/loss-of-function; Has not been previously published as pathogenic or benign to our knowledge

NM_001267550.2(TTN):c.12503T>C (p.Met4168Thr)

Gene: TTN (titin; minus strand). Cytogenetic location: 2q31.2.
Variant type: single nucleotide variant.
Coding change: c.12503T>C on transcript NM_001267550.2 (MANE Select); coding-DNA position 12503, T replaced by C.
Protein change: p.Met4168Thr; replaces methionine 4168 with threonine.
Molecular consequence: missense variant. On other transcripts: intron variant (1).
Genome position (GRCh38, 1-based): chr2:178,740,730, A>G on the plus strand (T>C on the coding strand, the complement: TTN is on the minus strand). VCF-style: chr2-178740730-A-G. GRCh37 (hg19) VCF-style: chr2-179605457-A-G.
Other names: c.11552T>C, p.Met3851Thr (NM_001256850.1); c.11414T>C, p.Met3805Thr (NM_003319.4); c.11789T>C, p.Met3930Thr (NM_133432.3); c.11990T>C, p.Met3997Thr (NM_133437.4); c.10361-2370T>C (NM_133378.4); short protein forms M4168T, M3805T, M3851T, M3930T, M3997T.
Identifiers: ClinVar variation 1309997 (VCV001309997.2), dbSNP rs2154318338, ClinGen allele CA349614842.